The following is an entry in ClinVar:

NM_016529.6(ATP8A2):c.2443A>G (p.Ile815Val)

Gene: ATP8A2 (ATPase phospholipid transporting 8A2). Cytogenetic location: 13q12.13.
Variant type: single nucleotide variant.
Coding change: c.2443A>G on transcript NM_016529.6 (MANE Select); coding-DNA position 2443, A replaced by G.
Protein change: p.Ile815Val; replaces isoleucine 815 with valine.
Molecular consequence: missense variant.
Genome position (GRCh38, 1-based): chr13:25,769,104, A>G. VCF-style: chr13-25769104-A-G. GRCh37 (hg19) VCF-style: chr13-26343242-A-G.
Other names: c.2323A>G, p.Ile775Val (NM_001313741.1); short protein forms I775V, I815V.
Identifiers: ClinVar variation 1303692 (VCV001303692.3), dbSNP rs200419415, ClinGen allele CA6923333.

ClinVar aggregate classification (germline): Uncertain significance. Review status: criteria provided, multiple submitters, no conflicts (2 of 4 stars). 2 submissions from 2 submitters: Uncertain significance (2). Last evaluated 2025-12-15.

Conditions:
Inborn genetic diseases. Identifiers: MedGen C0950123, MeSH D030342.

Allele frequency attached by ClinVar (database versions not stated): TOPMed 0.00003; gnomAD 0.00004; gnomAD exomes 0.00005 and 0.00016; ESP Exome Variant Server 0.00016; ExAC 0.00025.
gnomAD v4.1: 87 of 1,614,054 alleles (0.0054%); highest among the groups gnomAD compares: Non-Finnish European, 0.0055%; no homozygotes.

Submissions (2):

Ambry Genetics
Classification: Uncertain significance for Inborn genetic diseases. Last evaluated: 2025-12-15. Review status: criteria provided, single submitter. Criteria: Ambry Variant Classification Scheme 2023. Collection method: clinical testing. Allele origin: germline.

GeneDx
Classification: Uncertain significance. Last evaluated: 2019-08-07. Review status: criteria provided, single submitter. Criteria: GeneDx Variant Classification Process June 2021. Collection method: clinical testing. Allele origin: germline. Affected: yes.
Comment: In silico analysis, which includes protein predictors and evolutionary conservation, supports that this variant does not alter protein structure/function; Has not been previously published as pathogenic or benign to our knowledge